The following is an entry in ClinVar:

NM_001368882.1(COL13A1):c.1590G>T (p.Lys530Asn)

Gene: COL13A1 (collagen type XIII alpha 1 chain; plus strand). Cytogenetic location: 10q22.1.
Variant type: single nucleotide variant.
Coding change: c.1590G>T on transcript NM_001368882.1 (MANE Select); coding-DNA position 1590, G replaced by T.
Protein change: p.Lys530Asn; replaces lysine 530 with asparagine.
Molecular consequence: missense variant.
Genome position (GRCh38, 1-based): chr10:69,930,459, G>T. VCF-style: chr10-69930459-G-T. GRCh37 (hg19) VCF-style: chr10-71690215-G-T.
Other names: c.1557G>T, p.Lys519Asn (NM_001130103.2); c.1527G>T, p.Lys509Asn (NM_001320951.2, NM_001368884.1); c.1554G>T, p.Lys518Asn (NM_001368883.1); c.1491G>T, p.Lys497Asn (NM_001368885.1, NM_080801.4, NM_080802.4); c.927G>T, p.Lys309Asn (NM_001368886.1); c.1500G>T, p.Lys500Asn (NM_001368895.1, NM_080800.4); c.1386G>T, p.Lys462Asn (NM_001368896.1, NM_001368898.1, NM_080798.4); c.1413G>T, p.Lys471Asn (NM_001368897.1); and 1 more; short protein forms K500N, K309N, K468N, K497N, K519N, K462N, K471N, K530N.
Identifiers: ClinVar variation 1423384 (VCV001423384.8), dbSNP rs1589598763, ClinGen allele CA376931310.

ClinVar aggregate classification (germline): Uncertain significance (1 of 4 stars; one submission).

Allele frequency attached by ClinVar (database versions not stated): TOPMed below 0.00001.
gnomAD v4.1: 10 of 1,613,872 alleles (0.00062%); highest among the groups gnomAD compares: Non-Finnish European, 0.00085%; no homozygotes.

Submission:

Labcorp Genetics (formerly Invitae), Labcorp
Classification: Uncertain significance. Last evaluated: 2022-06-27. Review status: criteria provided, single submitter. Criteria: Invitae Variant Classification Sherloc (09022015). Collection method: clinical testing. Allele origin: germline.
Comment: This sequence change replaces lysine, which is basic and polar, with asparagine, which is neutral and polar, at codon 519 of the COL13A1 protein (p.Lys519Asn). This variant is not present in population databases (gnomAD no frequency). This variant has not been reported in the literature in individuals affected with COL13A1-related conditions. Algorithms developed to predict the effect of missense changes on protein structure and function (SIFT, PolyPhen-2, Align-GVGD) all suggest that this variant is likely to be disruptive. In summary, the available evidence is currently insufficient to determine the role of this variant in disease. Therefore, it has been classified as a Variant of Uncertain Significance.